The following is an entry in ClinVar:

ClinVar aggregate classification (germline): Uncertain significance. Review status: criteria provided, multiple submitters, no conflicts (2 of 4 stars). 2 submissions from 2 submitters: Uncertain significance (2). Last evaluated 2024-03-29.

Conditions:
Charcot-Marie-Tooth disease type 2. Also called: Charcot-Marie-Tooth type 2. Identifiers: Orphanet 64746, MedGen C0270914, MONDO:0018993.

Allele frequency attached by ClinVar (database versions not stated): gnomAD 0.00001; ExAC 0.00002; ESP Exome Variant Server 0.00008; TOPMed 0.00001; gnomAD exomes below 0.00001.
gnomAD v4.1: 2 of 1,614,002 alleles (0.00012%); highest among the groups gnomAD compares: African/African-American, 0.0013%; no homozygotes.

Submissions (2):

Ambry Genetics
Classification: Uncertain significance. Last evaluated: 2024-03-29. Review status: criteria provided, single submitter. Criteria: Ambry Variant Classification Scheme 2023. Collection method: clinical testing. Allele origin: germline.
Comment: The p.H711Y variant (also known as c.2131C>T), located in coding exon 21 of the KIF1B gene, results from a C to T substitution at nucleotide position 2131. The histidine at codon 711 is replaced by tyrosine, an amino acid with similar properties. This amino acid position is conserved. In addition, the in silico prediction for this alteration is inconclusive. Since supporting evidence is limited at this time, the clinical significance of this alteration remains unclear.

Labcorp Genetics (formerly Invitae), Labcorp
Classification: Uncertain significance for Charcot-Marie-Tooth disease type 2. Last evaluated: 2023-12-08. Review status: criteria provided, single submitter. Criteria: Invitae Variant Classification Sherloc (09022015). Collection method: clinical testing. Allele origin: germline.
Comment: This sequence change replaces histidine, which is basic and polar, with tyrosine, which is neutral and polar, at codon 711 of the KIF1B protein (p.His711Tyr). This variant is present in population databases (rs143419886, gnomAD 0.007%). This variant has not been reported in the literature in individuals affected with KIF1B-related conditions. ClinVar contains an entry for this variant (Variation ID: 1786411). An algorithm developed to predict the effect of missense changes on protein structure and function (PolyPhen-2) suggests that this variant is likely to be tolerated. In summary, the available evidence is currently insufficient to determine the role of this variant in disease. Therefore, it has been classified as a Variant of Uncertain Significance.

NM_001365951.3(KIF1B):c.2269C>T (p.His757Tyr)

Gene: KIF1B (kinesin family member 1B; plus strand). Cytogenetic location: 1p36.22.
Variant type: single nucleotide variant.
Coding change: c.2269C>T on transcript NM_001365951.3 (MANE Select); coding-DNA position 2269, C replaced by T.
Protein change: p.His757Tyr; replaces histidine 757 with tyrosine.
Molecular consequence: missense variant.
Genome position (GRCh38, 1-based): chr1:10,321,768, C>T. VCF-style: chr1-10321768-C-T. GRCh37 (hg19) VCF-style: chr1-10381826-C-T.
Other names: c.2269C>T, p.His757Tyr (NM_001365952.1); c.2131C>T, p.His711Tyr (NM_015074.3); short protein forms H711Y, H757Y.
Identifiers: ClinVar variation 1786411 (VCV001786411.6), dbSNP rs143419886, ClinGen allele CA581494.
Genomic context (GRCh38, chr1:10,321,768, plus strand): 5'-GTTCCTTGGACACAGCATGAATTTGAGTTGGCCCAATGGGCCTTCCGGAAATGGAAGTCT[C>T]ATCAGTTTACTTCATTACGGGACTTACTCTGGGGCAATGCCGTGTACCTAAAGGAGGCCA-3'
Protein context (NP_001352880.1, residues 747-767): AQWAFRKWKS[His757Tyr]QFTSLRDLLW